The following is an entry in ClinVar:

NM_007294.4(BRCA1):c.1477del (p.Ile493fs)

Gene: BRCA1 (BRCA1 DNA repair associated; minus strand). Cytogenetic location: 17q21.31.
Variant type: Deletion.
Coding change: c.1477del on transcript NM_007294.4 (MANE Select); coding-DNA position 1477, one base deleted (A; older notation c.1477delA).
Protein change: p.Ile493fs; shifts the reading frame from isoleucine 493.
Molecular consequence: frameshift variant. On other transcripts: intron variant (137).
Genome position (GRCh38, 1-based): chr17:43,094,054, T deleted on the plus strand (A on the coding strand, the reverse complement: BRCA1 is on the minus strand); the first of 2 consecutive T bases (chr17:43,094,054-43,094,055); deleting either gives the same sequence. VCF-style (leftmost placement, unchanged base first): chr17-43094053-AT-A. GRCh37 (hg19) VCF-style: chr17-41246070-AT-A.
Other names: c.1477delA (NM_007294.3); c.1141del, p.Ile381fs (NM_001407956.1, NM_001407958.1, NM_001407954.1 and 1 more transcripts); c.1144del, p.Ile382fs (NM_001407957.1, NM_001407946.1, NM_001407947.1 and 6 more transcripts); c.1096del, p.Ile366fs (NM_001407959.1, NM_001407960.1, NM_001407963.1); c.1093del, p.Ile365fs (NM_001407962.1); c.1333del, p.Ile445fs (NM_001407964.1, NM_001407740.1, NM_001407741.1 and 20 more transcripts); c.973del, p.Ile325fs (NM_001407965.1); c.589del, p.Ile197fs (NM_001407966.1, NM_001407967.1); and 41 more; short protein forms I493fs, I446fs, I422fs, I445fs, I197fs, I325fs, I423fs, I452fs.
Identifiers: ClinVar variation 187763 (VCV000187763.7), dbSNP rs786203982, ClinGen allele CA000990.

ClinVar aggregate classification (germline): Pathogenic. Review status: reviewed by expert panel (3 of 4 stars). 2 submissions from 2 submitters: Pathogenic (1). 1 of the submissions does not count toward it. Last evaluated 2016-09-08.

Conditions:
Hereditary cancer-predisposing syndrome. Also called: Hereditary Cancer Syndrome; Hereditary neoplastic syndrome; Tumor predisposition; Neoplastic Syndromes, Hereditary. Identifiers: Orphanet 140162, MedGen C0027672, MeSH D009386, MONDO:0015356.
Breast-ovarian cancer, familial, susceptibility to, 1 (BROVCA1). Also called: OVARIAN CANCER, SUSCEPTIBILITY TO; BRCA1 Hereditary Breast and Ovarian Cancer. Identifiers: Orphanet 145, MedGen C2676676, MONDO:0011450, OMIM 604370. Disease mechanism: loss of function.

Submissions (2):

Evidence-based Network for the Interpretation of Germline Mutant Alleles (ENIGMA)
Classification: Pathogenic for Breast-ovarian cancer, familial, susceptibility to, 1. Last evaluated: 2016-09-08. Review status: reviewed by expert panel. Criteria: ENIGMA BRCA1/2 Classification Criteria (2015). Collection method: curation. Allele origin: germline.
Comment: Variant allele predicted to encode a truncated non-functional protein.

Ambry Genetics
Classification: Pathogenic for Hereditary cancer-predisposing syndrome. Last evaluated: 2015-01-21. Review status: criteria provided, single submitter. Criteria: Ambry Variant Classification Scheme 2023. Collection method: clinical testing. Allele origin: germline. Not counted in ClinVar's aggregate classification.
Comment: The c.1477delA pathogenic mutation (also known as 1596delA), located in coding exon 9 of the BRCA1 gene, results from a deletion of one nucleotide at position 1477, causing a translational frameshift with a predicted alternate stop codon. Since frameshifts are typically deleterious in nature, this alteration is interpreted as a disease-causing mutation (ACMG Recommendations for Standards for Interpretation and Reporting of Sequence Variations. Revision 2007. Genet Med. 2008;10:294).